The following is an entry in ClinVar:

ClinVar aggregate classification (germline): Conflicting classifications of pathogenicity. Review status: criteria provided, conflicting classifications (1 of 4 stars). 4 submissions from 4 submitters: Uncertain significance (3); Likely benign (1). Last evaluated 2025-12-24.

Conditions:
Hereditary cancer-predisposing syndrome. Also called: Hereditary neoplastic syndrome; Neoplastic Syndromes, Hereditary; Hereditary Cancer Syndrome; Tumor predisposition. Identifiers: Orphanet 140162, MedGen C0027672, MeSH D009386, MONDO:0015356.
Ataxia-telangiectasia syndrome (AT). Also called: AT, COMPLEMENTATION GROUP C; Cerebello-oculocutaneous telangiectasia; Immunodeficiency with ataxia telangiectasia; Ataxia-telangiectasia, complementation group D; ATAXIA-TELANGIECTASIA, FRESNO VARIANT; Ataxia-telangiectasia, complementation group E. Identifiers: Orphanet 100, MedGen C0004135, MONDO:0008840, OMIM 208900.

Allele frequency attached by ClinVar (database versions not stated): gnomAD exomes below 0.00001 and 0.00001; gnomAD 0.00001 and 0.00002; ESP Exome Variant Server 0.00008; TOPMed 0.00001; ExAC 0.00002.
gnomAD v4.1: 3 of 1,614,000 alleles (0.00019%); highest among the groups gnomAD compares: Non-Finnish European, 0.00025%; no homozygotes.

Submissions (4):

Labcorp Genetics (formerly Invitae), Labcorp
Classification: Uncertain significance for Ataxia-telangiectasia syndrome. Last evaluated: 2025-12-24. Review status: criteria provided, single submitter. Criteria: Invitae Variant Classification Sherloc (09022015). Collection method: clinical testing. Allele origin: germline.
Comment: This sequence change replaces asparagine, which is neutral and polar, with serine, which is neutral and polar, at codon 914 of the ATM protein (p.Asn914Ser). This variant is present in population databases (rs141947469, gnomAD 0.002%). This variant has not been reported in the literature in individuals affected with ATM-related conditions. ClinVar contains an entry for this variant (Variation ID: 571794). Invitae Evidence Modeling of protein sequence and biophysical properties (such as structural, functional, and spatial information, amino acid conservation, physicochemical variation, residue mobility, and thermodynamic stability) indicates that this missense variant is not expected to disrupt ATM protein function with a negative predictive value of 95%. In summary, the available evidence is currently insufficient to determine the role of this variant in disease. Therefore, it has been classified as a Variant of Uncertain Significance.

Color Diagnostics, LLC DBA Color Health
Classification: Uncertain significance for Hereditary cancer-predisposing syndrome. Last evaluated: 2024-05-08. Review status: criteria provided, single submitter. Criteria: ACMG Guidelines, 2015. Collection method: clinical testing. Allele origin: germline.
Comment: This missense variant replaces asparagine with serine at codon 914 of the ATM protein. Computational prediction suggests that this variant may not impact protein structure and function. To our knowledge, functional studies have not been reported for this variant. This variant has not been reported in individuals affected with hereditary cancer in the literature. This variant has been identified in 3/282838 chromosomes in the general population by the Genome Aggregation Database (gnomAD). The available evidence is insufficient to determine the role of this variant in disease conclusively. Therefore, this variant is classified as a Variant of Uncertain Significance.

Ambry Genetics
Classification: Likely benign for Hereditary cancer-predisposing syndrome. Last evaluated: 2024-03-05. Review status: criteria provided, single submitter. Criteria: Ambry Variant Classification Scheme 2023. Collection method: clinical testing. Allele origin: germline.

GeneDx
Classification: Uncertain significance. Last evaluated: 2023-08-12. Review status: criteria provided, single submitter. Criteria: GeneDx Variant Classification Process June 2021. Collection method: clinical testing. Allele origin: germline. Affected: yes.
Comment: Not observed at significant frequency in large population cohorts (gnomAD); In silico analysis supports that this missense variant does not alter protein structure/function; Has not been previously published as pathogenic or benign to our knowledge

NM_000051.4(ATM):c.2741A>G (p.Asn914Ser)

Gene: ATM (ATM serine/threonine kinase; plus strand). Cytogenetic location: 11q22.3.
Variant type: single nucleotide variant.
Coding change: c.2741A>G on transcript NM_000051.4 (MANE Select); coding-DNA position 2741, A replaced by G.
Protein change: p.Asn914Ser; replaces asparagine 914 with serine.
Molecular consequence: missense variant.
Genome position (GRCh38, 1-based): chr11:108,268,512, A>G. VCF-style: chr11-108268512-A-G. GRCh37 (hg19) VCF-style: chr11-108139239-A-G.
Other names: c.2741A>G, p.Asn914Ser (NM_001351834.2); short protein forms N914S.
Identifiers: ClinVar variation 571794 (VCV000571794.21), dbSNP rs141947469, ClinGen allele CA6265105.